The following is an entry in ClinVar:

ClinVar aggregate classification (germline): Benign (1 of 4 stars; one submission).

Allele frequency attached by ClinVar (database versions not stated): 1000 Genomes Project 0.70288; 1000 Genomes Project 30x 0.70362; gnomAD exomes 0.72736; TOPMed 0.73362; gnomAD 0.73503.

Submission:

Unidad de Genómica Garrahan, Hospital de Pediatría Garrahan
Classification: Benign. Last evaluated: 2024-07-15. Review status: criteria provided, single submitter. Criteria: ACMG Guidelines, 2015. Collection method: clinical testing. Allele origin: germline. Affected: no. Observed: 74 variant alleles.
Comment: This variant is classified as Benign based on local population frequency. This variant was detected in 80% of patients studied in a panel designed for Epileptic and Developmental Encephalopathy and Progressive Myoclonus Epilepsy. Number of patients: 74. Only high quality variants are reported.

NC_000008.11:g.1800775A>G

Gene: LOC126860278 (CDK7 strongly-dependent group 2 enhancer GRCh37_chr8:1748222-1749421; plus strand). Cytogenetic location: 8p23.3.
Variant type: single nucleotide variant.
Genome position: GRCh38 VCF-style: chr8-1800775-A-G. GRCh37 (hg19) VCF-style: chr8-1748941-A-G.
Identifiers: ClinVar variation 3255238 (VCV003255238.2), dbSNP rs6558541.
Genomic context (GRCh38, chr8:1,800,775, plus strand): 5'-GGCCTCTGACAGCCGCTCTGTGCAGATTCAGTCCTTCAGCCACCCGCAGGAATTGCCGCC[A>G]GAGTAGGACATGTCTTCTACCCTCTTGGAAGTGATGAAACCACCTTTCAGAAATTACAGC-3'